The following is an entry in ClinVar:

NM_007254.4(PNKP):c.1049G>A (p.Gly350Glu)

Gene: PNKP (polynucleotide kinase 3'-phosphatase; minus strand). Cytogenetic location: 19q13.33.
Variant type: single nucleotide variant.
Coding change: c.1049G>A on transcript NM_007254.4 (MANE Select); coding-DNA position 1049, G replaced by A.
Protein change: p.Gly350Glu; replaces glycine 350 with glutamic acid.
Molecular consequence: missense variant.
Genome position (GRCh38, 1-based): chr19:49,862,262, C>T on the plus strand (G>A on the coding strand, the complement: PNKP is on the minus strand). VCF-style: chr19-49862262-C-T. GRCh37 (hg19) VCF-style: chr19-50365519-C-T.
Other names: short protein forms G350E.
Identifiers: ClinVar variation 1470378 (VCV001470378.8), dbSNP rs2122325421, ClinGen allele CA406880115.

ClinVar aggregate classification (germline): Uncertain significance (1 of 4 stars; one submission).

Conditions:
Developmental and epileptic encephalopathy, 12 (DEE12). Identifiers: MedGen C3150988, MONDO:0013389, OMIM 613722.

Submission:

Labcorp Genetics (formerly Invitae), Labcorp
Classification: Uncertain significance for Developmental and epileptic encephalopathy, 12. Last evaluated: 2021-01-07. Review status: criteria provided, single submitter. Criteria: Invitae Variant Classification Sherloc (09022015). Collection method: clinical testing. Allele origin: germline.
Comment: This sequence change replaces glycine with glutamic acid at codon 350 of the PNKP protein (p.Gly350Glu). The glycine residue is moderately conserved and there is a moderate physicochemical difference between glycine and glutamic acid. This variant is not present in population databases (ExAC no frequency). This variant has not been reported in the literature in individuals with PNKP-related conditions. Algorithms developed to predict the effect of missense changes on protein structure and function are either unavailable or do not agree on the potential impact of this missense change (SIFT: "Tolerated"; PolyPhen-2: "Possibly Damaging"; Align-GVGD: "Class C0"). In summary, the available evidence is currently insufficient to determine the role of this variant in disease. Therefore, it has been classified as a Variant of Uncertain Significance.